The following is an entry in ClinVar:

ClinVar aggregate classification (germline): Likely pathogenic (1 of 4 stars; one submission).

Conditions:
Intellectual developmental disorder, X-linked, syndromic, Claes-Jensen type. Also called: INTELLECTUAL DEVELOPMENTAL DISORDER, X-LINKED, SYNDROMIC 16; MENTAL RETARDATION, X-LINKED, SYNDROMIC 16; Syndromic X-linked intellectual disability Claes-Jensen type. Identifiers: Orphanet 85279, MedGen C1845243, MONDO:0010355, OMIM 300534.

Allele frequency attached by ClinVar (database versions not stated): gnomAD exomes 0.00001; ESP Exome Variant Server 0.00009; ExAC 0.00001.

Submission:

Greenwood Genetic Center Diagnostic Laboratories, Greenwood Genetic Center
Classification: Likely pathogenic for Intellectual developmental disorder, X-linked, syndromic, Claes-Jensen type. Last evaluated: 2021-05-14. Review status: criteria provided, single submitter. Criteria: ACMG Guidelines, 2015. Collection method: clinical testing. Allele origin: germline. Affected: yes.
Comment: PP2, PP3, PM1, PM2

NM_004187.5(KDM5C):c.322C>T (p.Arg108Trp)

Gene: KDM5C (lysine demethylase 5C; minus strand). Cytogenetic location: Xp11.22.
Variant type: single nucleotide variant.
Coding change: c.322C>T on transcript NM_004187.5 (MANE Select); coding-DNA position 322, C replaced by T.
Protein change: p.Arg108Trp; replaces arginine 108 with tryptophan.
Molecular consequence: missense variant. On other transcripts: non-coding transcript variant (2), intron variant (1).
Genome position (GRCh38, 1-based): chrX:53,218,305, G>A on the plus strand (C>T on the coding strand, the complement: KDM5C is on the minus strand). VCF-style: chrX-53218305-G-A. GRCh37 (hg19) VCF-style: chrX-53247487-G-A.
Other names: c.322C>T, p.Arg108Trp (NM_001282622.3, NM_001353978.3, NM_001353979.2 and 3 more transcripts); c.151-339C>T (NM_001146702.2); short protein forms R108W.
Identifiers: ClinVar variation 1334766 (VCV001334766.4), dbSNP rs146232504, ClinGen allele CA10419699.